The following is an entry in ClinVar:

NM_001371986.1(UNC80):c.4929C>G (p.Ile1643Met)

Gene: UNC80 (unc-80 subunit of NALCN channel complex; plus strand). Cytogenetic location: 2q34.
Variant type: single nucleotide variant.
Coding change: c.4929C>G on transcript NM_001371986.1 (MANE Select); coding-DNA position 4929, C replaced by G.
Protein change: p.Ile1643Met; replaces isoleucine 1643 with methionine.
Molecular consequence: missense variant.
Genome position (GRCh38, 1-based): chr2:209,913,840, C>G. VCF-style: chr2-209913840-C-G. GRCh37 (hg19) VCF-style: chr2-210778564-C-G.
Other names: c.4731C>G, p.Ile1577Met (NM_032504.2); c.4716C>G, p.Ile1572Met (NM_182587.4); short protein forms I1572M, I1577M, I1643M.
Identifiers: ClinVar variation 3906341 (VCV003906341.2).

ClinVar aggregate classification (germline): Uncertain significance (1 of 4 stars; one submission).

Submission:

GeneDx
Classification: Uncertain significance. Last evaluated: 2026-10-14. Review status: criteria provided, single submitter. Criteria: GeneDx Variant Classification Process June 2021. Collection method: clinical testing. Allele origin: germline.
Comment: Not observed at significant frequency in large population cohorts (gnomAD); In silico analysis suggests that this missense variant does not alter protein structure/function; Has not been previously published as pathogenic or benign to our knowledge